The following is an entry in ClinVar:

ClinVar aggregate classification (germline): Uncertain significance (1 of 4 stars; one submission).

Submission:

Women's Health and Genetics/Laboratory Corporation of America, LabCorp
Classification: Uncertain significance. Last evaluated: 2026-02-03. Review status: criteria provided, single submitter. Criteria: LabCorp Variant Classification Summary - May 2015. Collection method: clinical testing. Allele origin: germline.
Comment: Variant summary: BMP2 c.389G>A (p.Arg130Gln) results in a conservative amino acid change in the encoded protein sequence. Algorithms developed to predict the effect of missense changes on protein structure and function are either unavailable or do not agree on the potential impact of this missense change. The variant allele was found at a frequency of 2e-05 in 246944 control chromosomes (gnomAD). The available data on variant occurrences in the general population are insufficient to allow any conclusion about variant significance. c.389G>A has been observed in one individual affected with selective mandibular incisor agenesis (Yamaguchi_2017). These reports do not provide unequivocal conclusions about association of the variant with BMP2-Related Disorders. To our knowledge, no experimental evidence demonstrating an impact on protein function has been reported. The following publication have been ascertained in the context of this evaluation (PMID: 28265457). No submitters have cited clinical-significance assessments for this variant to ClinVar. Based on the evidence outlined above, the variant was classified as uncertain significance.

Literature cited by the submitters: PubMed 28265457.

NM_001200.4(BMP2):c.389G>A (p.Arg130Gln)

Gene: BMP2 (bone morphogenetic protein 2; plus strand). Cytogenetic location: 20p12.3.
Variant type: single nucleotide variant.
Coding change: c.389G>A on transcript NM_001200.4 (MANE Select); coding-DNA position 389, G replaced by A.
Protein change: p.Arg130Gln; replaces arginine 130 with glutamine.
Molecular consequence: missense variant.
Genome position (GRCh38, 1-based): chr20:6,778,287, G>A. VCF-style: chr20-6778287-G-A. GRCh37 (hg19) VCF-style: chr20-6758934-G-A.
Other names: short protein forms R130Q.
Identifiers: ClinVar variation 4848061 (VCV004848061.1).
Genomic context (GRCh38, chr20:6,778,287, plus strand): 5'-TTTTCTCTATCAAATTAGAATCTTTGGAAGAACTACCAGAAACGAGTGGGAAAACAACCC[G>A]GAGATTCTTCTTTAATTTAAGTTCTATCCCCACGGAGGAGTTTATCACCTCAGCAGAGCT-3'
Protein context (NP_001191.1, residues 120-140): ELPETSGKTT[Arg130Gln]RFFFNLSSIP